The following is an entry in ClinVar:

ClinVar aggregate classification (germline): Uncertain significance (1 of 4 stars; one submission).

gnomAD v4.1: 1 of 1,614,198 alleles (0.000062%); highest among the groups gnomAD compares: Non-Finnish European, 0.000085%; no homozygotes.

Submission:

Labcorp Genetics (formerly Invitae), Labcorp
Classification: Uncertain significance. Last evaluated: 2024-10-21. Review status: criteria provided, single submitter. Criteria: Invitae Variant Classification Sherloc (09022015). Collection method: clinical testing. Allele origin: germline.
Comment: This sequence change replaces arginine, which is basic and polar, with glycine, which is neutral and non-polar, at codon 34 of the KLF11 protein (p.Arg34Gly). This variant is not present in population databases (gnomAD no frequency). This variant has not been reported in the literature in individuals affected with KLF11-related conditions. An algorithm developed to predict the effect of missense changes on protein structure and function (PolyPhen-2) suggests that this variant is likely to be tolerated. In summary, the available evidence is currently insufficient to determine the role of this variant in disease. Therefore, it has been classified as a Variant of Uncertain Significance.

NM_003597.5(KLF11):c.100A>G (p.Arg34Gly)

Gene: KLF11 (KLF transcription factor 11; plus strand). Cytogenetic location: 2p25.1.
Variant type: single nucleotide variant.
Coding change: c.100A>G on transcript NM_003597.5 (MANE Select); coding-DNA position 100, A replaced by G.
Protein change: p.Arg34Gly; replaces arginine 34 with glycine.
Molecular consequence: missense variant.
Genome position (GRCh38, 1-based): chr2:10,046,207, A>G. VCF-style: chr2-10046207-A-G. GRCh37 (hg19) VCF-style: chr2-10186334-A-G.
Other names: c.49A>G, p.Arg17Gly (NM_001177716.2, NM_001177718.2); short protein forms R17G, R34G.
Identifiers: ClinVar variation 3695826 (VCV003695826.2).
Genomic context (GRCh38, chr2:10,046,207, plus strand): 5'-TAGGTTGACATCATGGACATATGTGAGTCCATCCTGGAGAGGAAGCGGCATGACAGCGAA[A>G]GGTCTACTTGCAGCATCTTGGAGCAGACAGACATGGAAGCTGTCGAGGCTCTTGTTTGTA-3'
Protein context (NP_003588.1, residues 24-44): ILERKRHDSE[Arg34Gly]STCSILEQTD